The following is an entry in ClinVar:

ClinVar aggregate classification (germline): Conflicting classifications of pathogenicity. Review status: criteria provided, conflicting classifications (1 of 4 stars). 2 submissions from 1 submitter: Uncertain significance (1); Benign (1). Last evaluated 2018-01-13.

Conditions:
Amyotrophic lateral sclerosis type 4 (ALS4). Also called: NEURONOPATHY, DISTAL HEREDITARY MOTOR, WITH PYRAMIDAL FEATURES; AMYOTROPHIC LATERAL SCLEROSIS 4, JUVENILE. Identifiers: Orphanet 357043, MedGen C1865409, MONDO:0011223, OMIM 602433.
Spinocerebellar ataxia, autosomal recessive, with axonal neuropathy 2 (SCAN2). Also called: Ataxia-ocular apraxia-2; Ataxia with Oculomotor Apraxia; Ataxia with Oculomotor Apraxia Type 2; ATAXIA-OCULOMOTOR APRAXIA 2. Identifiers: Orphanet 64753, MedGen C1853761, MONDO:0018996, OMIM 606002.

Allele frequency attached by ClinVar (database versions not stated): 1000 Genomes Project 0.00060; TOPMed 0.00108; 1000 Genomes Project 30x 0.00125; gnomAD 0.00127 and 0.00131.

Submissions (2):

Illumina Laboratory Services, Illumina
Classification: Uncertain significance for Spinocerebellar ataxia, autosomal recessive, with axonal neuropathy 2. Last evaluated: 2018-01-13. Review status: criteria provided, single submitter. Criteria: ICSL Variant Classification Criteria 13 December 2019. Collection method: clinical testing. Allele origin: germline.

Illumina Laboratory Services, Illumina
Classification: Benign for Amyotrophic lateral sclerosis type 4. Last evaluated: 2018-01-13. Review status: criteria provided, single submitter. Criteria: ICSL Variant Classification Criteria 13 December 2019. Collection method: clinical testing. Allele origin: germline.
Comment: This variant was observed in the ICSL laboratory as part of a predisposition screen in an ostensibly healthy population. It had not been previously curated by ICSL or reported in the Human Gene Mutation Database (HGMD: prior to June 1st, 2018), and was therefore a candidate for classification through an automated scoring system. Utilizing variant allele frequency, disease prevalence and penetrance estimates, and inheritance mode, an automated score was calculated to assess if this variant is too frequent to cause the disease. Based on the score and internal cut-off values, a variant classified as benign is not then subjected to further curation. The score for this variant resulted in a classification of benign for this disease.

NM_015046.7(SETX):c.-70T>C

Gene: SETX (senataxin; minus strand). Cytogenetic location: 9q34.13.
Variant type: single nucleotide variant.
Coding change: c.-70T>C on transcript NM_015046.7 (MANE Select); 70 bases upstream of the start codon, T replaced by C.
Molecular consequence: 5 prime UTR variant.
Genome position (GRCh38, 1-based): chr9:132,353,711, A>G on the plus strand (T>C on the coding strand, the complement: SETX is on the minus strand). VCF-style: chr9-132353711-A-G. GRCh37 (hg19) VCF-style: chr9-135229098-A-G.
Other names: c.-70T>C (NM_001351527.2, NM_001351528.2).
Identifiers: ClinVar variation 914681 (VCV000914681.4), dbSNP rs72765839, ClinGen allele CA200842030.